The following is an entry in ClinVar:

NM_000051.4(ATM):c.522C>G (p.Leu174=)

Gene: ATM (ATM serine/threonine kinase; plus strand). Cytogenetic location: 11q22.3.
Variant type: single nucleotide variant.
Coding change: c.522C>G on transcript NM_000051.4 (MANE Select); coding-DNA position 522, C replaced by G.
Protein change: p.Leu174=; no amino-acid change (leucine 174 retained).
Molecular consequence: synonymous variant.
Genome position (GRCh38, 1-based): chr11:108,243,978, C>G. VCF-style: chr11-108243978-C-G. GRCh37 (hg19) VCF-style: chr11-108114705-C-G.
Other names: c.522C>G, p.Leu174= (NM_001351834.2).
Identifiers: ClinVar variation 453567 (VCV000453567.17), dbSNP rs780173724, ClinGen allele CA228383722.

ClinVar aggregate classification (germline): Benign/Likely benign. Review status: criteria provided, multiple submitters, no conflicts (2 of 4 stars). 5 submissions from 5 submitters: Benign (1); Likely benign (4). Last evaluated 2026-01-31.

Conditions:
Hereditary cancer-predisposing syndrome. Also called: Tumor predisposition; Hereditary Cancer Syndrome; Neoplastic Syndromes, Hereditary; Hereditary neoplastic syndrome. Identifiers: Orphanet 140162, MedGen C0027672, MeSH D009386, MONDO:0015356.
Familial cancer of breast. Also called: Hereditary breast cancer; hereditary breast carcinoma; BREAST CANCER, FAMILIAL. Identifiers: Orphanet 227535, MedGen C0346153, MONDO:0016419, OMIM 114480. Disease mechanism: loss of function.
Ataxia-telangiectasia syndrome (AT). Also called: Cerebello-oculocutaneous telangiectasia; Immunodeficiency with ataxia telangiectasia; Ataxia-telangiectasia, complementation group D; AT, COMPLEMENTATION GROUP C; Ataxia-telangiectasia, complementation group E; LOUIS-BAR SYNDROME. Identifiers: Orphanet 100, MedGen C0004135, MONDO:0008840, OMIM 208900.

Allele frequency attached by ClinVar (database versions not stated): gnomAD 0.00001; TOPMed 0.00001.
gnomAD v4.1: 5 of 1,601,486 alleles (0.00031%); highest among the groups gnomAD compares: African/African-American, 0.0014%; no homozygotes.

Submissions (5):

Labcorp Genetics (formerly Invitae), Labcorp
Classification: Likely benign for Ataxia-telangiectasia syndrome. Last evaluated: 2026-01-31. Review status: criteria provided, single submitter. Criteria: Invitae Variant Classification Sherloc (09022015). Collection method: clinical testing. Allele origin: germline.

Myriad Genetics, Inc.
Classification: Benign for Familial cancer of breast. Last evaluated: 2024-04-19. Review status: criteria provided, single submitter. Criteria: Myriad Autosomal Dominant, Autosomal Recessive and X-Linked Classification Criteria (2023). Collection method: clinical testing. Allele origin: unknown.
Comment: This variant is considered benign. This variant is a silent/synonymous amino acid change and it is not expected to impact splicing.

Sema4
Classification: Likely benign for Hereditary cancer-predisposing syndrome. Last evaluated: 2022-02-26. Review status: criteria provided, single submitter. Criteria: Sema4 Curation Guidelines. Collection method: curation. Allele origin: germline.

Color Diagnostics, LLC DBA Color Health
Classification: Likely benign for Hereditary cancer-predisposing syndrome. Last evaluated: 2020-07-14. Review status: criteria provided, single submitter. Criteria: ACMG Guidelines, 2015. Collection method: clinical testing. Allele origin: germline.

Ambry Genetics
Classification: Likely benign for Hereditary cancer-predisposing syndrome. Last evaluated: 2019-05-04. Review status: criteria provided, single submitter. Criteria: Ambry Variant Classification Scheme 2023. Collection method: clinical testing. Allele origin: germline.